The following is an entry in ClinVar:

NM_024514.5(CYP2R1):c.29G>C (p.Gly10Ala)

Genes: CYP2R1 (cytochrome P450 family 2 subfamily R member 1; minus strand), PDE3B (phosphodiesterase 3B; plus strand). Cytogenetic location: 11p15.2.
Variant type: single nucleotide variant.
Coding change: c.29G>C on transcript NM_024514.5 (MANE Select); coding-DNA position 29, G replaced by C.
Protein change: p.Gly10Ala; replaces glycine 10 with alanine.
Molecular consequence: missense variant.
Genome position (GRCh38, 1-based): chr11:14,892,177, C>G on the plus strand (G>C on the coding strand, the complement: CYP2R1 is on the minus strand). VCF-style: chr11-14892177-C-G. GRCh37 (hg19) VCF-style: chr11-14913723-C-G.
Other names: short protein forms G10A.
Identifiers: ClinVar variation 792888 (VCV000792888.10), dbSNP rs374132162, ClinGen allele CA5896826.

ClinVar aggregate classification (germline): Likely benign. Review status: criteria provided, multiple submitters, no conflicts (2 of 4 stars). 2 submissions from 2 submitters: Likely benign (2). Last evaluated 2025-11-14.

Allele frequency attached by ClinVar (database versions not stated): ESP Exome Variant Server 0.00040; gnomAD 0.00074 and 0.00077; 1000 Genomes Project 0.00080; TOPMed 0.00080; 1000 Genomes Project 30x 0.00094.
gnomAD v4.1: 199 of 1,610,696 alleles (0.012%); highest among the groups gnomAD compares: African/African-American, 0.25%; 1 homozygote.

Submissions (2):

Women's Health and Genetics/Laboratory Corporation of America, LabCorp
Classification: Likely benign. Last evaluated: 2025-11-14. Review status: criteria provided, single submitter. Criteria: LabCorp Variant Classification Summary - May 2015. Collection method: clinical testing. Allele origin: germline.
Comment: Variant summary: CYP2R1 c.29G>C (p.Gly10Ala) results in a non-conservative amino acid change in the encoded protein sequence. Algorithms developed to predict the effect of missense changes on protein structure and function are either unavailable or do not agree on the potential impact of this missense change. The variant allele was found at a frequency of 0.00018 in 236450 control chromosomes, predominantly at a frequency of 0.0029 within the African or African-American subpopulation in the gnomAD database. The observed variant frequency within African or African-American control individuals in the gnomAD database exceeds the estimated maximal expected allele frequency for disease-causing variants in CYP2R1. To our knowledge, no occurrence of c.29G>C in individuals affected with CYP2R1-related conditions has been reported. At least one publication reports experimental evidence evaluating an impact on protein function, however, it does not allow convincing conclusions about the variant effect (Casella_2020). ClinVar contains an entry for this variant (Variation ID: 792888). Based on the evidence outlined above, the variant was classified as likely benign.

Labcorp Genetics (formerly Invitae), Labcorp
Classification: Likely benign. Last evaluated: 2025-09-02. Review status: criteria provided, single submitter. Criteria: Invitae Variant Classification Sherloc (09022015). Collection method: clinical testing. Allele origin: germline.

Literature cited by the submitters: PubMed 32115644 (cited by Women's Health and Genetics/Laboratory Corporation of America, LabCorp).